The following is an entry in ClinVar:

NM_000123.4(ERCC5):c.212G>A (p.Arg71His)

Genes: BIVM-ERCC5 (BIVM-ERCC5 readthrough; plus strand), ERCC5 (ERCC excision repair 5, endonuclease; plus strand). Cytogenetic location: 13q33.1.
Variant type: single nucleotide variant.
Coding change: c.212G>A on transcript NM_000123.4 (MANE Select); coding-DNA position 212, G replaced by A.
Protein change: p.Arg71His; replaces arginine 71 with histidine.
Molecular consequence: missense variant.
Genome position (GRCh38, 1-based): chr13:102,852,241, G>A. VCF-style: chr13-102852241-G-A. GRCh37 (hg19) VCF-style: chr13-103504591-G-A.
Other names: c.1574G>A, p.Arg525His (NM_001204425.2); short protein forms R71H, R525H.
Identifiers: ClinVar variation 134176 (VCV000134176.5), dbSNP rs587778293, ClinGen allele CA159006.

ClinVar aggregate classification (germline): Uncertain significance. Review status: criteria provided, single submitter (1 of 4 stars). 2 submissions from 2 submitters: Uncertain significance (1). 1 of the submissions does not count toward it. Last evaluated 2017-04-27.

Conditions:
Xeroderma pigmentosum, group G (XPG). Also called: ERCC5-Related Xeroderma Pigmentosum; XP, GROUP G; Xeroderma pigmentosum type 7; XERODERMA PIGMENTOSUM VII. Identifiers: MedGen C0268141, MONDO:0010216, OMIM 278780.

Allele frequency attached by ClinVar (database versions not stated): gnomAD exomes below 0.00001; ExAC 0.00001; gnomAD 0.00003; TOPMed 0.00003.

Submissions (2):

Illumina Laboratory Services, Illumina
Classification: Uncertain significance for Xeroderma pigmentosum, group G. Last evaluated: 2017-04-27. Review status: criteria provided, single submitter. Criteria: ICSL Variant Classification Criteria 13 December 2019. Collection method: clinical testing. Allele origin: germline.

ITMI
No classification provided. Condition: AllHighlyPenetrant. Last evaluated: 2013-09-19. Review status: no classification provided. Collection method: reference population. Allele origin: germline. Not counted in ClinVar's aggregate classification.
Comment: Please see associated publication for description of ethnicities

Literature cited by the submitters: PubMed 24728327 (cited by ITMI).